The following is an entry in ClinVar:

NM_014797.3(ZBTB24):c.1969G>A (p.Glu657Lys)

Gene: ZBTB24 (zinc finger and BTB domain containing 24; minus strand). Cytogenetic location: 6q21.
Variant type: single nucleotide variant.
Coding change: c.1969G>A on transcript NM_014797.3 (MANE Select); coding-DNA position 1969, G replaced by A.
Protein change: p.Glu657Lys; replaces glutamic acid 657 with lysine.
Molecular consequence: missense variant.
Genome position (GRCh38, 1-based): chr6:109,465,976, C>T on the plus strand (G>A on the coding strand, the complement: ZBTB24 is on the minus strand). VCF-style: chr6-109465976-C-T. GRCh37 (hg19) VCF-style: chr6-109787179-C-T.
Other names: short protein forms E657K.
Identifiers: ClinVar variation 572801 (VCV000572801.7), dbSNP rs1222795316, ClinGen allele CA365193889.
Genomic context (GRCh38, chr6:109,465,976, plus strand): 5'-GCTCCTGTGTCAGCTGCAGGTGCTGAGCTGGATCTGAAGTACTTGTAGCTAAATGGAGCT[C>T]CTCTGTTTGCTCTTGATGGGCATGAAGATGTTCCAGTGTTTCCTTGGACAGAGTGATCAC-3'
Protein context (NP_055612.2, residues 647-667): HLHAHQEQTE[Glu657Lys]LHLATSTSDP

ClinVar aggregate classification (germline): Uncertain significance (1 of 4 stars; one submission).

Conditions:
Immunodeficiency-centromeric instability-facial anomalies syndrome 2 (ICF2). Identifiers: Orphanet 2268, MedGen C3279748, MONDO:0013553, OMIM 614069.

Allele frequency attached by ClinVar (database versions not stated): gnomAD exomes below 0.00001; TOPMed below 0.00001; gnomAD 0.00001.

Submission:

Labcorp Genetics (formerly Invitae), Labcorp
Classification: Uncertain significance for Immunodeficiency-centromeric instability-facial anomalies syndrome 2. Last evaluated: 2024-02-23. Review status: criteria provided, single submitter. Criteria: Invitae Variant Classification Sherloc (09022015). Collection method: clinical testing. Allele origin: germline.
Comment: This sequence change replaces glutamic acid, which is acidic and polar, with lysine, which is basic and polar, at codon 657 of the ZBTB24 protein (p.Glu657Lys). This variant is present in population databases (no rsID available, gnomAD 0.0009%). This variant has not been reported in the literature in individuals affected with ZBTB24-related conditions. ClinVar contains an entry for this variant (Variation ID: 572801). An algorithm developed to predict the effect of missense changes on protein structure and function (PolyPhen-2) suggests that this variant¬†is likely to be tolerated. In summary, the available evidence is currently insufficient to determine the role of this variant in disease. Therefore, it has been classified as a Variant of Uncertain Significance.